The following is an entry in ClinVar:

NM_001614.5(ACTG1):c.868C>T (p.Arg290Cys)

Gene: ACTG1 (actin gamma 1; minus strand). Cytogenetic location: 17q25.3.
Variant type: single nucleotide variant.
Coding change: c.868C>T on transcript NM_001614.5 (MANE Select); coding-DNA position 868, C replaced by T.
Protein change: p.Arg290Cys; replaces arginine 290 with cysteine.
Molecular consequence: missense variant. On other transcripts: non-coding transcript variant (1).
Genome position (GRCh38, 1-based): chr17:81,511,043, G>A on the plus strand (C>T on the coding strand, the complement: ACTG1 is on the minus strand). VCF-style: chr17-81511043-G-A. GRCh37 (hg19) VCF-style: chr17-79478069-G-A.
Other names: c.868C>T, p.Arg290Cys (NM_001199954.3); short protein forms R290C.
Identifiers: ClinVar variation 449184 (VCV000449184.4), dbSNP rs1555666501, ClinGen allele CA401459236.

ClinVar aggregate classification (germline): Likely pathogenic (1 of 4 stars; one submission).

Submission:

GeneDx
Classification: Likely pathogenic. Last evaluated: 2026-07-28. Review status: criteria provided, single submitter. Criteria: GeneDx Variant Classification Process June 2021. Collection method: clinical testing. Allele origin: germline.
Comment: Not observed at significant frequency in large population cohorts (gnomAD); Missense variants in this gene are a common cause of disease and they are underrepresented in the general population; In silico analysis supports that this missense variant has a deleterious effect on protein structure/function; Has not been previously published as pathogenic or benign to our knowledge